The following is an entry in ClinVar:

ClinVar aggregate classification (germline): Benign/Likely benign. Review status: criteria provided, multiple submitters, no conflicts (2 of 4 stars). 3 submissions from 3 submitters: Benign (2); Likely benign (1). Last evaluated 2025-10-01.

Allele frequency attached by ClinVar (database versions not stated): 1000 Genomes Project 30x 0.00047; 1000 Genomes Project 0.00060; TOPMed 0.00287; ExAC 0.00327; gnomAD exomes 0.00328; ESP Exome Variant Server 0.00330; gnomAD 0.00494.
gnomAD v4.1: 5,361 of 1,594,954 alleles (0.34%); highest among the groups gnomAD compares: Non-Finnish European, 0.39%; 30 homozygotes.

Submissions (12):

CeGaT Center for Human Genetics Tuebingen
Classification: Likely benign. Last evaluated: 2025-10-01. Review status: criteria provided, single submitter. Criteria: CeGaT Center For Human Genetics Tuebingen Variant Classification Criteria Version 2. Collection method: clinical testing. Allele origin: germline. Affected: yes. Observed: 3 variant alleles.
Comment: EIF5B: BS2

Labcorp Genetics (formerly Invitae), Labcorp
Classification: Benign. Last evaluated: 2019-12-31. Review status: criteria provided, single submitter. Criteria: Invitae Variant Classification Sherloc (09022015). Collection method: clinical testing. Allele origin: germline.

Breakthrough Genomics
Classification: Benign. Review status: criteria provided, single submitter. Criteria: ACMG Guidelines, 2015. Collection method: not provided. Allele origin: germline. Inheritance: Unknown mechanism. Affected: yes.

Dr. Peter K. Rogan Lab, Western University
No classification provided (evidence only). Condition: Clear cell carcinoma of kidney. Review status: no classification provided. Collection method: in vitro. Allele origin: not applicable. Functional consequence: retained intron. Not counted in ClinVar's aggregate classification.

Dr. Peter K. Rogan Lab, Western University
No classification provided (evidence only). Condition: Clear cell carcinoma of kidney. Review status: no classification provided. Collection method: in vitro. Allele origin: not applicable. Functional consequence: retained intron. Not counted in ClinVar's aggregate classification.

Dr. Peter K. Rogan Lab, Western University
No classification provided (evidence only). Condition: Melanoma. Review status: no classification provided. Collection method: in vitro. Allele origin: not applicable. Functional consequence: retained intron. Not counted in ClinVar's aggregate classification.

Dr. Peter K. Rogan Lab, Western University
No classification provided (evidence only). Condition: Familial cancer of breast. Review status: no classification provided. Collection method: in vitro. Allele origin: not applicable. Functional consequence: retained intron. Not counted in ClinVar's aggregate classification.

Dr. Peter K. Rogan Lab, Western University
No classification provided (evidence only). Condition: Familial cancer of breast. Review status: no classification provided. Collection method: in vitro. Allele origin: not applicable. Functional consequence: retained intron. Not counted in ClinVar's aggregate classification.

Dr. Peter K. Rogan Lab, Western University
No classification provided (evidence only). Condition: Cervical cancer. Review status: no classification provided. Collection method: in vitro. Allele origin: not applicable. Functional consequence: retained intron. Not counted in ClinVar's aggregate classification.

Dr. Peter K. Rogan Lab, Western University
No classification provided (evidence only). Condition: Cervical cancer. Review status: no classification provided. Collection method: in vitro. Allele origin: not applicable. Functional consequence: retained intron. Not counted in ClinVar's aggregate classification.

Dr. Peter K. Rogan Lab, Western University
No classification provided (evidence only). Condition: Sarcoma. Review status: no classification provided. Collection method: in vitro. Allele origin: not applicable. Functional consequence: skipped exon, retained intron. Not counted in ClinVar's aggregate classification.

Dr. Peter K. Rogan Lab, Western University
No classification provided (evidence only). Condition: Malignant tumor of esophagus. Review status: no classification provided. Collection method: in vitro. Allele origin: not applicable. Functional consequence: retained intron. Not counted in ClinVar's aggregate classification.

NM_015904.4(EIF5B):c.710A>T (p.Glu237Val)

Gene: EIF5B (eukaryotic translation initiation factor 5B; plus strand). Cytogenetic location: 2q11.2.
Variant type: single nucleotide variant.
Coding change: c.710A>T on transcript NM_015904.4 (MANE Select); coding-DNA position 710, A replaced by T.
Protein change: p.Glu237Val; replaces glutamic acid 237 with valine.
Molecular consequence: missense variant.
Genome position (GRCh38, 1-based): chr2:99,361,611, A>T. VCF-style: chr2-99361611-A-T. GRCh37 (hg19) VCF-style: chr2-99978074-A-T.
Other names: NC_000002.11:g.99978074A>T; short protein forms E237V.
Identifiers: ClinVar variation 782085 (VCV000782085.30), dbSNP rs201583340, ClinGen allele CA1798717.